The following is an entry in ClinVar:

ClinVar aggregate classification (germline): Likely pathogenic (1 of 4 stars; one submission).

Conditions:
Glycogen storage disease, type V (GSD5). Also called: MCARDLE DISEASE; MUSCLE GLYCOGEN PHOSPHORYLASE DEFICIENCY; MYOPHOSPHORYLASE DEFICIENCY; PYGM DEFICIENCY; McArdle type glycogen storage disease. Identifiers: Orphanet 368, MedGen C0017924, MONDO:0009293, OMIM 232600.

Submission:

Natera, Inc.
Classification: Likely pathogenic for Glycogen storage disease V. Last evaluated: 2025-03-10. Review status: criteria provided, single submitter. Criteria: Natera Variant Classification Schema (03/2026). Collection method: clinical testing. Allele origin: germline.
Comment: The c.407G>A variant in PYGM is a missense variant predicted to cause substitution of glycine to aspartic acid at amino acid 136. This variant is rare in the general population with a frequency below the threshold expected for the associated phenotype(s). This variant has been observed in one or more individuals affected with the associated recessive disease, as either homozygous or compound heterozygous with a second variant (PMID: 17324573, 22250184). This variant has been observed to segregate in affected family members (PMID: 17324573). This variant has been identified in one or more affected individual with a phenotype highly consistent with the associated gene (PMID: 17324573, 22250184). Computational prediction algorithms indicate this variant is likely to affect gene or protein function. Given the available evidence, this variant is classified as Likely Pathogenic.

Literature cited by the submitters: PubMed 17324573; PubMed 22250184.

NM_005609.4(PYGM):c.407G>A (p.Gly136Asp)

Gene: PYGM (glycogen phosphorylase, muscle associated; minus strand). Cytogenetic location: 11q13.1.
Variant type: single nucleotide variant.
Coding change: c.407G>A on transcript NM_005609.4 (MANE Select); coding-DNA position 407, G replaced by A.
Protein change: p.Gly136Asp; replaces glycine 136 with aspartic acid.
Molecular consequence: missense variant. On other transcripts: intron variant (1).
Genome position (GRCh38, 1-based): chr11:64,758,454, C>T on the plus strand (G>A on the coding strand, the complement: PYGM is on the minus strand). VCF-style: chr11-64758454-C-T. GRCh37 (hg19) VCF-style: chr11-64525926-C-T.
Other names: c.244-188G>A (NM_001164716.1); short protein forms G136D.
Identifiers: ClinVar variation 4815436 (VCV004815436.1).
Genomic context (GRCh38, chr11:64,758,454, plus strand): 5'-GACCCCATCGGCCCACTCCACCCTCACGGCCCTGTCTTCTTACCTGCCAGCCGGCCCAGG[C>T]CCCCGTTGCCCAGCCCCGCATCCTCCTCAATTTCCTCCAGCTCCTCCATGTCCAGGCCCA-3'
Protein context (NP_005600.1, residues 126-146): IEEDAGLGNG[Gly136Asp]LGRLAACFLD